The following is an entry in ClinVar:

NM_198576.4(AGRN):c.1130G>A (p.Arg377Gln)

Gene: AGRN (agrin; plus strand). Cytogenetic location: 1p36.33.
Variant type: single nucleotide variant.
Coding change: c.1130G>A on transcript NM_198576.4 (MANE Select); coding-DNA position 1130, G replaced by A.
Protein change: p.Arg377Gln; replaces arginine 377 with glutamine.
Molecular consequence: missense variant.
Genome position (GRCh38, 1-based): chr1:1,041,655, G>A. VCF-style: chr1-1041655-G-A. GRCh37 (hg19) VCF-style: chr1-977035-G-A.
Other names: c.1130G>A, p.Arg377Gln (NM_001305275.2); c.815G>A, p.Arg272Gln (NM_001364727.2); short protein forms R377Q, R272Q.
Identifiers: ClinVar variation 474096 (VCV000474096.8), dbSNP rs1553174827, ClinGen allele CA337827282.

ClinVar aggregate classification (germline): Uncertain significance (1 of 4 stars; one submission).

Conditions:
Congenital myasthenic syndrome 8. Also called: Myasthenic syndrome, congenital, 8, with pre- and postsynaptic defects; MYASTHENIC SYNDROME, CONGENITAL, DUE TO AGRIN DEFICIENCY. Identifiers: Orphanet 590, MedGen C3808739, MONDO:0014052, OMIM 615120.

Allele frequency attached by ClinVar (database versions not stated): TOPMed 0.00001.
gnomAD v4.1: 5 of 1,611,050 alleles (0.00031%); highest among the groups gnomAD compares: African/African-American, 0.0053%; no homozygotes.

Submission:

Labcorp Genetics (formerly Invitae), Labcorp
Classification: Uncertain significance for Congenital myasthenic syndrome 8. Last evaluated: 2022-03-23. Review status: criteria provided, single submitter. Criteria: Invitae Variant Classification Sherloc (09022015). Collection method: clinical testing. Allele origin: germline.
Comment: In summary, the available evidence is currently insufficient to determine the role of this variant in disease. Therefore, it has been classified as a Variant of Uncertain Significance. Algorithms developed to predict the effect of missense changes on protein structure and function output the following: SIFT: "Deleterious"; PolyPhen-2: "Possibly Damaging"; Align-GVGD: "Class C0". The glutamine amino acid residue is found in multiple mammalian species, which suggests that this missense change does not adversely affect protein function. ClinVar contains an entry for this variant (Variation ID: 474096). This variant has not been reported in the literature in individuals affected with AGRN-related conditions. This variant is not present in population databases (gnomAD no frequency). This sequence change replaces arginine, which is basic and polar, with glutamine, which is neutral and polar, at codon 377 of the AGRN protein (p.Arg377Gln).